The following is an entry in ClinVar:

NM_000138.5(FBN1):c.3388del (p.His1130fs)

Gene: FBN1 (fibrillin 1; minus strand). Cytogenetic location: 15q21.1.
Variant type: Deletion.
Coding change: c.3388del on transcript NM_000138.5 (MANE Select); coding-DNA position 3388, one base deleted (C; older notation c.3388delC).
Protein change: p.His1130fs; shifts the reading frame from histidine 1130.
Molecular consequence: frameshift variant.
Genome position (GRCh38, 1-based): chr15:48,487,387, G deleted on the plus strand (C on the coding strand, the reverse complement: FBN1 is on the minus strand); the first of 2 consecutive G bases (chr15:48,487,387-48,487,388); deleting either gives the same sequence. VCF-style (leftmost placement, unchanged base first): chr15-48487386-TG-T. GRCh37 (hg19) VCF-style: chr15-48779583-TG-T.
Other names: short protein forms H1130fs.
Identifiers: ClinVar variation 549162 (VCV000549162.18), dbSNP rs1555398572, ClinGen allele CA658824443.

ClinVar aggregate classification (germline): Pathogenic. Review status: criteria provided, single submitter (1 of 4 stars). 2 submissions from 2 submitters: Pathogenic (1). 1 of the submissions does not count toward it. Last evaluated 2021-03-01.

Conditions:
Marfan syndrome (MFS). Also called: Marfan syndrome type 1; Marfan syndrome, classic; Marfan's syndrome; FBN1-Related Marfan Syndrome; MARFAN SYNDROME, TYPE I. Identifiers: Orphanet 284963, Orphanet 558, MedGen C0024796, MONDO:0007947, OMIM 154700.

Submissions (2):

Centre of Medical Genetics, University of Antwerp
Classification: Pathogenic for Marfan syndrome. Last evaluated: 2021-03-01. Review status: criteria provided, single submitter. Criteria: Submitter's publication. Collection method: research. Allele origin: unknown. Affected: yes.
Comment: PM2, PVS1, PP4

Center for Medical Genetics Ghent, University of Ghent
Classification: Pathogenic for Marfan syndrome. Last evaluated: 2017-11-07. Review status: no assertion criteria provided. Collection method: clinical testing. Allele origin: germline. Affected: yes. Not counted in ClinVar's aggregate classification.